The following is an entry in ClinVar:

NM_144670.6(A2ML1):c.322GAG[1] (p.Glu109del)

Genes: A2ML1 (alpha-2-macroglobulin like 1; plus strand), A2ML1-AS1 (A2ML1 antisense RNA 1; minus strand). Cytogenetic location: 12p13.31.
Variant type: Microsatellite.
Coding change: c.322GAG[1] on transcript NM_144670.6 (MANE Select); one copy of the 3-base unit GAG starting at c.322; the reference has two copies in a row; one copy, 3 bases deleted.
Protein change: p.Glu109del; deletes glutamic acid 109.
Genome position (GRCh38, 1-based): chr12:8,823,798-8,823,800, GAG deleted; deleting any 3 consecutive bases within chr12:8,823,795-8,823,800 gives the same sequence; the position shown is the placement nearest the transcript's 3' end. VCF-style (leftmost placement, unchanged base first): chr12-8823794-TGAG-T. GRCh37 (hg19) VCF-style: chr12-8976390-TGAG-T.
Other names: short protein forms E109del.
Identifiers: ClinVar variation 3698817 (VCV003698817.2).

ClinVar aggregate classification (germline): Uncertain significance (1 of 4 stars; one submission).

Submission:

Labcorp Genetics (formerly Invitae), Labcorp
Classification: Uncertain significance. Last evaluated: 2026-01-05. Review status: criteria provided, single submitter. Criteria: Invitae Variant Classification Sherloc (09022015). Collection method: clinical testing. Allele origin: germline.
Comment: This variant, c.325_327del, results in the deletion of 1 amino acid(s) of the A2ML1 protein (p.Glu109del), but otherwise preserves the integrity of the reading frame. This variant is present in population databases (rs763901132, gnomAD 0.004%). This variant has not been reported in the literature in individuals affected with A2ML1-related conditions. Experimental studies and prediction algorithms are not available or were not evaluated, and the functional significance of this variant is currently unknown. In summary, the available evidence is currently insufficient to determine the role of this variant in disease. Therefore, it has been classified as a Variant of Uncertain Significance.